The following is an entry in ClinVar:

ClinVar aggregate classification (germline): Uncertain significance (1 of 4 stars; one submission).

Conditions:
Hereditary spastic paraplegia 48. Also called: Spastic paraplegia 48; SPASTIC PARAPLEGIA 48, AUTOSOMAL RECESSIVE. Identifiers: Orphanet 306511, MedGen C3150901, MONDO:0013342, OMIM 613647.

Allele frequency attached by ClinVar (database versions not stated): gnomAD exomes below 0.00001 and 0.00001; ExAC 0.00001; gnomAD 0.00001.
gnomAD v4.1: 6 of 1,608,272 alleles (0.00037%); highest among the groups gnomAD compares: East Asian, 0.0022%; no homozygotes.

Submission:

Labcorp Genetics (formerly Invitae), Labcorp
Classification: Uncertain significance for Hereditary spastic paraplegia 48. Last evaluated: 2022-07-19. Review status: criteria provided, single submitter. Criteria: Invitae Variant Classification Sherloc (09022015). Collection method: clinical testing. Allele origin: germline.
Comment: This variant is present in population databases (rs762540035, gnomAD 0.006%). In summary, the available evidence is currently insufficient to determine the role of this variant in disease. Therefore, it has been classified as a Variant of Uncertain Significance. Algorithms developed to predict the effect of sequence changes on RNA splicing suggest that this variant may create or strengthen a splice site. Algorithms developed to predict the effect of missense changes on protein structure and function are either unavailable or do not agree on the potential impact of this missense change (SIFT: "Deleterious"; PolyPhen-2: "Probably Damaging"; Align-GVGD: "Class C0"). ClinVar contains an entry for this variant (Variation ID: 1009138). This variant has not been reported in the literature in individuals affected with AP5Z1-related conditions. This sequence change replaces leucine, which is neutral and non-polar, with valine, which is neutral and non-polar, at codon 705 of the AP5Z1 protein (p.Leu705Val).

NM_014855.3(AP5Z1):c.2113C>G (p.Leu705Val)

Gene: AP5Z1 (adaptor related protein complex 5 subunit zeta 1; plus strand). Cytogenetic location: 7p22.1.
Variant type: single nucleotide variant.
Coding change: c.2113C>G on transcript NM_014855.3 (MANE Select); coding-DNA position 2113, C replaced by G.
Protein change: p.Leu705Val; replaces leucine 705 with valine.
Molecular consequence: missense variant. On other transcripts: non-coding transcript variant (1).
Genome position (GRCh38, 1-based): chr7:4,790,847, C>G. VCF-style: chr7-4790847-C-G. GRCh37 (hg19) VCF-style: chr7-4830478-C-G.
Other names: c.1645C>G, p.Leu549Val (NM_001364858.1); short protein forms L549V, L705V.
Identifiers: ClinVar variation 1009138 (VCV001009138.8), dbSNP rs762540035, ClinGen allele CA4138306.